The following is an entry in ClinVar:

ClinVar aggregate classification (germline): Conflicting classifications of pathogenicity. Review status: criteria provided, conflicting classifications (1 of 4 stars). 2 submissions from 2 submitters: Uncertain significance (1); Likely benign (1). Last evaluated 2025-11-10.

Conditions:
Carney complex, type 1 (CNC1). Also called: CARNEY MYXOMA-ENDOCRINE COMPLEX; CARNEY COMPLEX, TYPE I. Identifiers: Orphanet 1359, MedGen C2607929, MONDO:0008057, OMIM 160980.
Hereditary cancer-predisposing syndrome. Also called: Neoplastic Syndromes, Hereditary; Tumor predisposition; Hereditary Cancer Syndrome; Hereditary neoplastic syndrome. Identifiers: Orphanet 140162, MedGen C0027672, MeSH D009386, MONDO:0015356.

Allele frequency attached by ClinVar (database versions not stated): ExAC 0.00001; gnomAD exomes 0.00001.
gnomAD v4.1: 5 of 1,614,086 alleles (0.00031%); highest among the groups gnomAD compares: Non-Finnish European, 0.00042%; no homozygotes.

Submissions (2):

Labcorp Genetics (formerly Invitae), Labcorp
Classification: Likely benign for Carney complex, type 1. Last evaluated: 2025-11-10. Review status: criteria provided, single submitter. Criteria: Invitae Variant Classification Sherloc (09022015). Collection method: clinical testing. Allele origin: germline.

Ambry Genetics
Classification: Uncertain significance for Hereditary cancer-predisposing syndrome. Last evaluated: 2024-11-14. Review status: criteria provided, single submitter. Criteria: Ambry Variant Classification Scheme 2023. Collection method: clinical testing. Allele origin: germline.
Comment: The c.441-5T>C intronic variant results from a T to C substitution 5 nucleotides upstream from coding exon 4 in the PRKAR1A gene. This nucleotide position is well conserved in available vertebrate species. In silico splice site analysis for this alteration is inconclusive and direct evidence is insufficient at this time (Ambry internal data). Based on the available evidence, the clinical significance of this variant remains unclear.

NM_002734.5(PRKAR1A):c.441-5T>C

Gene: PRKAR1A (protein kinase cAMP-dependent type I regulatory subunit alpha; plus strand). Cytogenetic location: 17q24.2.
Variant type: single nucleotide variant.
Coding change: c.441-5T>C on transcript NM_002734.5 (MANE Select); 5 bases into the intron before coding-DNA position 441, T replaced by C.
Molecular consequence: intron variant.
Genome position (GRCh38, 1-based): chr17:68,524,011, T>C. VCF-style: chr17-68524011-T-C. GRCh37 (hg19) VCF-style: chr17-66520152-T-C.
Other names: c.441-5T>C (NM_001278433.2, NM_001369389.1, NM_212471.3 and 4 more transcripts).
Identifiers: ClinVar variation 469063 (VCV000469063.14), dbSNP rs771949207, ClinGen allele CA8729261.